The following is an entry in ClinVar:

NM_021815.5(SLC5A7):c.518C>A (p.Thr173Asn)

Gene: SLC5A7 (solute carrier family 5 member 7; plus strand). Cytogenetic location: 2q12.3.
Variant type: single nucleotide variant.
Coding change: c.518C>A on transcript NM_021815.5 (MANE Select); coding-DNA position 518, C replaced by A.
Protein change: p.Thr173Asn; replaces threonine 173 with asparagine.
Molecular consequence: missense variant. On other transcripts: 5 prime UTR variant (1).
Genome position (GRCh38, 1-based): chr2:107,997,907, C>A. VCF-style: chr2-107997907-C-A. GRCh37 (hg19) VCF-style: chr2-108614363-C-A.
Other names: c.518C>A, p.Thr173Asn (NM_001305005.3); c.203C>A, p.Thr68Asn (NM_001305006.3); c.-187C>A (NM_001305007.3); short protein forms T68N, T173N.
Identifiers: ClinVar variation 1509540 (VCV001509540.8), dbSNP rs746514670, ClinGen allele CA348112523.

ClinVar aggregate classification (germline): Uncertain significance (1 of 4 stars; one submission).

Conditions:
Neuronopathy, distal hereditary motor, type 7A. Also called: Neuronopathy, distal hereditary motor, type viia; NEURONOPATHY, DISTAL HEREDITARY MOTOR, HARDING TYPE VIIA; NEUROPATHY, DISTAL HEREDITARY MOTOR, HARDING TYPE VIIA; Neuronopathy, distal hereditary motor, autosomal dominant 7; HARPER-YOUNG MYOPATHY; HMN VIIA. Identifiers: Orphanet 139589, MedGen C1834703, MONDO:0008024, OMIM 158580.
Congenital myasthenic syndrome 20. Also called: Myasthenic syndrome, congenital, 20, presynaptic. Identifiers: MedGen C4310694, MONDO:0014939, OMIM 617143.

Submission:

Labcorp Genetics (formerly Invitae), Labcorp
Classification: Uncertain significance for Neuronopathy, distal hereditary motor, type 7A; Congenital myasthenic syndrome 20. Last evaluated: 2022-06-27. Review status: criteria provided, single submitter. Criteria: Invitae Variant Classification Sherloc (09022015). Collection method: clinical testing. Allele origin: germline.
Comment: In summary, the available evidence is currently insufficient to determine the role of this variant in disease. Therefore, it has been classified as a Variant of Uncertain Significance. Algorithms developed to predict the effect of missense changes on protein structure and function are either unavailable or do not agree on the potential impact of this missense change (SIFT: "Deleterious"; PolyPhen-2: "Benign"; Align-GVGD: "Class C0"). This variant has not been reported in the literature in individuals affected with SLC5A7-related conditions. This variant is not present in population databases (gnomAD no frequency). This sequence change replaces threonine, which is neutral and polar, with asparagine, which is neutral and polar, at codon 173 of the SLC5A7 protein (p.Thr173Asn).